The following is an entry in ClinVar:

NM_006755.2(TALDO1):c.801C>T (p.Asn267=)

Gene: TALDO1 (transaldolase 1; plus strand). Cytogenetic location: 11p15.5.
Variant type: single nucleotide variant.
Coding change: c.801C>T on transcript NM_006755.2 (MANE Select); coding-DNA position 801, C replaced by T.
Protein change: p.Asn267=; no amino-acid change (asparagine 267 retained).
Molecular consequence: synonymous variant.
Genome position (GRCh38, 1-based): chr11:763,910, C>T. VCF-style: chr11-763910-C-T. GRCh37 (hg19) VCF-style: chr11-763910-C-T.
Identifiers: ClinVar variation 306137 (VCV000306137.16), dbSNP rs142263629, ClinGen allele CA5788292.

ClinVar aggregate classification (germline): Benign/Likely benign. Review status: criteria provided, multiple submitters, no conflicts (2 of 4 stars). 4 submissions from 4 submitters: Benign (3); Likely benign (1). Last evaluated 2026-01-21.

Conditions:
Deficiency of transaldolase. Also called: EYAID SYNDROME. Identifiers: Orphanet 101028, MedGen C1291329, MONDO:0011624, OMIM 606003.

Allele frequency attached by ClinVar (database versions not stated): gnomAD exomes 0.00053 and 0.00143; ExAC 0.00182; gnomAD 0.00467 and 0.00483; ESP Exome Variant Server 0.00569; TOPMed 0.00570; 1000 Genomes Project 0.00639; 1000 Genomes Project 30x 0.00687.

Submissions (4):

Labcorp Genetics (formerly Invitae), Labcorp
Classification: Benign. Last evaluated: 2026-01-21. Review status: criteria provided, single submitter. Criteria: Invitae Variant Classification Sherloc (09022015). Collection method: clinical testing. Allele origin: germline.

Blueprint Genetics
Classification: Likely benign. Last evaluated: 2024-11-27. Review status: criteria provided, single submitter. Criteria: ACMG Guidelines, 2015. Collection method: clinical testing. Allele origin: germline.

Illumina Laboratory Services, Illumina
Classification: Benign for Deficiency of transaldolase. Last evaluated: 2018-01-12. Review status: criteria provided, single submitter. Criteria: ICSL Variant Classification Criteria 13 December 2019. Collection method: clinical testing. Allele origin: germline.
Comment: This variant was observed in the ICSL laboratory as part of a predisposition screen in an ostensibly healthy population. It had not been previously curated by ICSL or reported in the Human Gene Mutation Database (HGMD: prior to June 1st, 2018), and was therefore a candidate for classification through an automated scoring system. Utilizing variant allele frequency, disease prevalence and penetrance estimates, and inheritance mode, an automated score was calculated to assess if this variant is too frequent to cause the disease. Based on the score and internal cut-off values, a variant classified as benign is not then subjected to further curation. The score for this variant resulted in a classification of benign for this disease.

Breakthrough Genomics
Classification: Benign. Review status: criteria provided, single submitter. Criteria: ACMG Guidelines, 2015. Collection method: not provided. Allele origin: germline. Inheritance: Autosomal recessive inheritance. Affected: yes.